The following is an entry in ClinVar:

NM_015272.5(RPGRIP1L):c.2535A>G (p.Pro845=)

Gene: RPGRIP1L (RPGRIP1 like; minus strand). Cytogenetic location: 16q12.2.
Variant type: single nucleotide variant.
Coding change: c.2535A>G on transcript NM_015272.5 (MANE Select); coding-DNA position 2535, A replaced by G.
Protein change: p.Pro845=; no amino-acid change (proline 845 retained).
Molecular consequence: synonymous variant.
Genome position (GRCh38, 1-based): chr16:53,645,773, T>C on the plus strand (A>G on the coding strand, the complement: RPGRIP1L is on the minus strand). VCF-style: chr16-53645773-T-C. GRCh37 (hg19) VCF-style: chr16-53679685-T-C.
Other names: c.2535A>G, p.Pro845= (NM_001308334.3, NM_001330538.2, NM_001127897.4); c.2535A>G (NM_015272.4).
Identifiers: ClinVar variation 1651057 (VCV001651057.9), dbSNP rs1357658306, ClinGen allele CA495784524.
Genomic context (GRCh38, chr16:53,645,773, plus strand): 5'-AACATAAAAACTCAGAGACTCTGACTTAAGGTATCGATCCAAGTCCATATTCATTGGCAC[T>C]GGGAAATACATATGATCATCAAACTGTGGATCATTGCTACTGGGAATGATAGCTGTATCA-3'
Protein context (NP_056087.2, residues 835-855): DPQFDDHMYF[Pro845=]VPMNMDLDRY

ClinVar aggregate classification (germline): Likely benign. Review status: criteria provided, single submitter (1 of 4 stars). 2 submissions from 2 submitters: Likely benign (1). 1 of the submissions does not count toward it. Last evaluated 2024-04-15.

Conditions:
Joubert syndrome. Also called: Familial aplasia of the vermis; JOUBERT-BOLTSHAUSER SYNDROME. Identifiers: Orphanet 475, MedGen C5979921, MONDO:0018772.
Meckel-Gruber syndrome. Also called: Dysencephalia splachnocystica; DYSENCEPHALIA SPLANCHNOCYSTICA; GRUBER SYNDROME. Identifiers: Orphanet 564, MedGen C0265215, MONDO:0018921.
RPGRIP1L-related disorder. Also called: RPGRIP1L-related condition; RPGRIP1L-related disorders. Identifiers: MedGen CN239416.

Allele frequency attached by ClinVar (database versions not stated): gnomAD exomes 0.00001.
gnomAD v4.1: 4 of 1,614,148 alleles (0.00025%); highest among the groups gnomAD compares: Non-Finnish European, 0.00034%; no homozygotes.

Submissions (2):

Labcorp Genetics (formerly Invitae), Labcorp
Classification: Likely benign for Joubert syndrome; Meckel-Gruber syndrome. Last evaluated: 2024-04-15. Review status: criteria provided, single submitter. Criteria: Invitae Variant Classification Sherloc (09022015). Collection method: clinical testing. Allele origin: germline.

PreventionGenetics, part of Exact Sciences
Classification: Likely benign for RPGRIP1L-related condition. Last evaluated: 2024-05-29. Review status: no assertion criteria provided. Collection method: clinical testing. Allele origin: germline. Not counted in ClinVar's aggregate classification.
Comment: This variant is classified as likely benign based on ACMG/AMP sequence variant interpretation guidelines (Richards et al. 2015 PMID: 25741868, with internal and published modifications).